The following is an entry in ClinVar:

ClinVar aggregate classification (germline): Likely benign. Review status: criteria provided, multiple submitters, no conflicts (2 of 4 stars). 2 submissions from 2 submitters: Likely benign (2). Last evaluated 2025-05-13.

gnomAD v4.1: 61 of 1,611,328 alleles (0.0038%); highest among the groups gnomAD compares: African/African-American, 0.055%; no homozygotes.

Submissions (2):

Mayo Clinic Laboratories, Mayo Clinic
Classification: Likely benign. Last evaluated: 2025-05-13. Review status: criteria provided, single submitter. Criteria: ACMG Guidelines, 2015. Collection method: clinical testing. Allele origin: germline. Observed: 1 variant allele.
Comment: BP4, BP7

Blueprint Genetics
Classification: Likely benign. Last evaluated: 2024-09-23. Review status: criteria provided, single submitter. Criteria: ACMG Guidelines, 2015. Collection method: clinical testing. Allele origin: germline.

NM_020401.4(NUP107):c.504T>C (p.Ser168=)

Gene: NUP107 (nucleoporin 107; plus strand). Cytogenetic location: 12q15.
Variant type: single nucleotide variant.
Coding change: c.504T>C on transcript NM_020401.4 (MANE Select); coding-DNA position 504, T replaced by C.
Protein change: p.Ser168=; no amino-acid change (serine 168 retained).
Molecular consequence: synonymous variant.
Genome position (GRCh38, 1-based): chr12:68,696,874, T>C. VCF-style: chr12-68696874-T-C. GRCh37 (hg19) VCF-style: chr12-69090654-T-C.
Other names: p.Ser168=; c.417T>C, p.Ser139= (NM_001330192.2).
Identifiers: ClinVar variation 4683766 (VCV004683766.2).